The following is an entry in ClinVar:

NM_152618.3(BBS12):c.42G>A (p.Met14Ile)

Gene: BBS12 (Bardet-Biedl syndrome 12; plus strand). Cytogenetic location: 4q27.
Variant type: single nucleotide variant.
Coding change: c.42G>A on transcript NM_152618.3 (MANE Select); coding-DNA position 42, G replaced by A.
Protein change: p.Met14Ile; replaces methionine 14 with isoleucine.
Molecular consequence: missense variant.
Genome position (GRCh38, 1-based): chr4:122,741,934, G>A. VCF-style: chr4-122741934-G-A. GRCh37 (hg19) VCF-style: chr4-123663089-G-A.
Other names: c.42G>A, p.Met14Ile (NM_001178007.2); short protein forms M14I.
Identifiers: ClinVar variation 2072114 (VCV002072114.3), dbSNP rs769994463, ClinGen allele CA3069222.

ClinVar aggregate classification (germline): Uncertain significance. Review status: criteria provided, multiple submitters, no conflicts (2 of 4 stars). 2 submissions from 2 submitters: Uncertain significance (2). Last evaluated 2023-11-08.

Conditions:
Inborn genetic diseases. Identifiers: MedGen C0950123, MeSH D030342.
Bardet-Biedl syndrome (BBS). Identifiers: Orphanet 110, MedGen C0752166, MONDO:0015229.

Allele frequency attached by ClinVar (database versions not stated): gnomAD exomes below 0.00001; ExAC 0.00001.

Submissions (2):

Labcorp Genetics (formerly Invitae), Labcorp
Classification: Uncertain significance for Bardet-Biedl syndrome. Last evaluated: 2023-11-08. Review status: criteria provided, single submitter. Criteria: Invitae Variant Classification Sherloc (09022015). Collection method: clinical testing. Allele origin: germline.
Comment: This sequence change replaces methionine, which is neutral and non-polar, with isoleucine, which is neutral and non-polar, at codon 14 of the BBS12 protein (p.Met14Ile). This variant is present in population databases (rs769994463, gnomAD 0.003%). This variant has not been reported in the literature in individuals affected with BBS12-related conditions. ClinVar contains an entry for this variant (Variation ID: 2072114). Advanced modeling of protein sequence and biophysical properties (such as structural, functional, and spatial information, amino acid conservation, physicochemical variation, residue mobility, and thermodynamic stability) performed at Invitae indicates that this missense variant is not expected to disrupt BBS12 protein function with a negative predictive value of 80%. In summary, the available evidence is currently insufficient to determine the role of this variant in disease. Therefore, it has been classified as a Variant of Uncertain Significance.

Ambry Genetics
Classification: Uncertain significance for Inborn genetic diseases. Last evaluated: 2021-07-20. Review status: criteria provided, single submitter. Criteria: Ambry Variant Classification Scheme 2023. Collection method: clinical testing. Allele origin: germline.